The following is an entry in ClinVar:

NM_002485.5(NBN):c.1552T>G (p.Ser518Ala)

Gene: NBN (nibrin; minus strand). Cytogenetic location: 8q21.3.
Variant type: single nucleotide variant.
Coding change: c.1552T>G on transcript NM_002485.5 (MANE Select); coding-DNA position 1552, T replaced by G.
Protein change: p.Ser518Ala; replaces serine 518 with alanine.
Molecular consequence: missense variant.
Genome position (GRCh38, 1-based): chr8:89,953,537, A>C on the plus strand (T>G on the coding strand, the complement: NBN is on the minus strand). VCF-style: chr8-89953537-A-C. GRCh37 (hg19) VCF-style: chr8-90965765-A-C.
Other names: c.1306T>G, p.Ser436Ala (NM_001024688.3, NM_001440379.1, NM_001440380.1); short protein forms S518A, S436A.
Identifiers: ClinVar variation 4117260 (VCV004117260.1).

ClinVar aggregate classification (germline): Uncertain significance (1 of 4 stars; one submission).

Conditions:
Hereditary cancer-predisposing syndrome. Also called: Hereditary neoplastic syndrome; Neoplastic Syndromes, Hereditary; Tumor predisposition; Hereditary Cancer Syndrome. Identifiers: Orphanet 140162, MedGen C0027672, MeSH D009386, MONDO:0015356.

Submission:

Ambry Genetics
Classification: Uncertain significance for Hereditary cancer-predisposing syndrome. Last evaluated: 2025-06-20. Review status: criteria provided, single submitter. Criteria: Ambry Variant Classification Scheme 2023. Collection method: clinical testing. Allele origin: germline.
Comment: The p.S518A variant (also known as c.1552T>G), located in coding exon 11 of the NBN gene, results from a T to G substitution at nucleotide position 1552. The serine at codon 518 is replaced by alanine, an amino acid with similar properties. This amino acid position is conserved. In addition, this alteration is predicted to be tolerated by in silico analysis. Based on the available evidence, the clinical significance of this variant remains unclear.